The following is an entry in ClinVar:

ClinVar aggregate classification (germline): Benign. Review status: criteria provided, multiple submitters, no conflicts (2 of 4 stars). 11 submissions from 11 submitters: Benign (8). 3 of the submissions do not count toward it. Last evaluated 2026-02-04.

Conditions:
Cardiovascular phenotype. Identifiers: MedGen CN230736.
Hypertrophic cardiomyopathy 14. Identifiers: MedGen C2750467, MONDO:0013197, OMIM 613251.

Allele frequency attached by ClinVar (database versions not stated): gnomAD exomes 0.00716 and 0.01131; ExAC 0.01470; ESP Exome Variant Server 0.02153; gnomAD 0.03743 and 0.03900; TOPMed 0.04285; 1000 Genomes Project 0.04912; 1000 Genomes Project 30x 0.05387.
gnomAD v4.1: 16,365 of 1,612,108 alleles (1%); highest among the groups gnomAD compares: African/African-American, 12%; 592 homozygotes.

Submissions (11):

Labcorp Genetics (formerly Invitae), Labcorp
Classification: Benign for Hypertrophic cardiomyopathy 14. Last evaluated: 2026-02-04. Review status: criteria provided, single submitter. Criteria: Invitae Variant Classification Sherloc (09022015). Collection method: clinical testing. Allele origin: germline.

GeneDx
Classification: Benign. Last evaluated: 2016-10-24. Review status: criteria provided, single submitter. Criteria: GeneDx Variant Classification (06012015). Collection method: clinical testing. Allele origin: germline. Affected: yes.
Comment: This variant is considered likely benign or benign based on one or more of the following criteria: it is a conservative change, it occurs at a poorly conserved position in the protein, it is predicted to be benign by multiple in silico algorithms, and/or has population frequency not consistent with disease.

Molecular Diagnostic Laboratory for Inherited Cardiovascular Disease, Montreal Heart Institute
Classification: Benign. Last evaluated: 2016-06-15. Review status: criteria provided, single submitter. Criteria: ACMG Guidelines, 2015. Collection method: clinical testing. Allele origin: germline. Affected: yes.

Ambry Genetics
Classification: Benign for Cardiovascular phenotype. Last evaluated: 2015-07-08. Review status: criteria provided, single submitter. Criteria: Ambry Variant Classification Scheme 2023. Collection method: clinical testing. Allele origin: germline.

Biesecker Lab/Clinical Genomics Section, National Institutes of Health
Classification: Benign. Last evaluated: 2013-06-24. Review status: criteria provided, single submitter. Criteria: Ng et al. (Circ Cardiovasc Genet. 2013). Collection method: research. Allele origin: unknown. Observed: 10 variant alleles. Study: ClinSeq.
Comment: The study set was not selected for affection status in relation to any cancer. Pathogenicity categories were based on literature curation. See Pubmed ID:23861362 for details.

Medical sequencing

Laboratory for Molecular Medicine, Mass General Brigham Personalized Medicine
Classification: Benign. Last evaluated: 2011-12-27. Review status: criteria provided, single submitter. Criteria: LMM Criteria. Collection method: clinical testing. Allele origin: germline. Observed: 62 variant alleles.

Breakthrough Genomics
Classification: Benign. Review status: criteria provided, single submitter. Criteria: ACMG Guidelines, 2015. Collection method: not provided. Allele origin: germline. Inheritance: Autosomal dominant inheritance. Affected: yes.

PreventionGenetics, part of Exact Sciences
Classification: Benign. Review status: criteria provided, single submitter. Criteria: ACMG Guidelines, 2015. Collection method: clinical testing. Allele origin: germline.

Clinical Genetics, Academic Medical Center
Classification: Benign. Review status: no assertion criteria provided. Collection method: clinical testing. Allele origin: germline. Affected: yes. Study: VKGL Data-share Consensus. Not counted in ClinVar's aggregate classification.

Genome Diagnostics Laboratory, University Medical Center Utrecht
Classification: Benign. Review status: no assertion criteria provided. Collection method: clinical testing. Allele origin: germline. Affected: yes. Study: VKGL Data-share Consensus. Not counted in ClinVar's aggregate classification.

Joint Genome Diagnostic Labs from Nijmegen and Maastricht, Radboudumc and MUMC+
Classification: Benign. Review status: no assertion criteria provided. Collection method: clinical testing. Allele origin: germline. Affected: yes. Study: VKGL Data-share Consensus. Not counted in ClinVar's aggregate classification.

NM_002471.4(MYH6):c.4778A>T (p.Gln1593Leu)

Genes: MYH6 (myosin heavy chain 6; minus strand), LOC126861896 (BRD4-independent group 4 enhancer GRCh37_chr14:23854904-23856103; plus strand). Cytogenetic location: 14q11.2.
Variant type: single nucleotide variant.
Coding change: c.4778A>T on transcript NM_002471.4 (MANE Select); coding-DNA position 4778, A replaced by T.
Protein change: p.Gln1593Leu; replaces glutamine 1593 with leucine.
Molecular consequence: missense variant.
Genome position (GRCh38, 1-based): chr14:23,386,496, T>A on the plus strand (A>T on the coding strand, the complement: MYH6 is on the minus strand). VCF-style: chr14-23386496-T-A. GRCh37 (hg19) VCF-style: chr14-23855705-T-A.
Other names: short protein forms Q1593L.
Identifiers: ClinVar variation 44520 (VCV000044520.27), dbSNP rs45574136, ClinGen allele CA134428.